The following is an entry in ClinVar:

NM_004260.4(RECQL4):c.1870G>A (p.Val624Ile)

Gene: RECQL4 (RecQ like helicase 4; minus strand). Cytogenetic location: 8q24.3.
Variant type: single nucleotide variant.
Coding change: c.1870G>A on transcript NM_004260.4 (MANE Select); coding-DNA position 1870, G replaced by A.
Protein change: p.Val624Ile; replaces valine 624 with isoleucine.
Molecular consequence: missense variant.
Genome position (GRCh38, 1-based): chr8:144,514,197, C>T on the plus strand (G>A on the coding strand, the complement: RECQL4 is on the minus strand). VCF-style: chr8-144514197-C-T. GRCh37 (hg19) VCF-style: chr8-145739581-C-T.
Other names: short protein forms V624I.
Identifiers: ClinVar variation 567588 (VCV000567588.13), dbSNP rs375100228, ClinGen allele CA4948627.

ClinVar aggregate classification (germline): Likely benign. Review status: criteria provided, multiple submitters, no conflicts (2 of 4 stars). 4 submissions from 4 submitters: Likely benign (4). Last evaluated 2026-08-13.

Conditions:
Baller-Gerold syndrome (BGS). Also called: CRANIOSYNOSTOSIS WITH RADIAL DEFECTS. Identifiers: Orphanet 1225, MedGen C0265308, MONDO:0009039, OMIM 218600.
RECQL4-related disorder. Also called: RECQL4-related disorders; RECQL4-related condition.
Inborn genetic diseases. Identifiers: MedGen C0950123, MeSH D030342.

Allele frequency attached by ClinVar (database versions not stated): TOPMed 0.00006; ESP Exome Variant Server 0.00008; ExAC 0.00024; gnomAD exomes 0.00024.
gnomAD v4.1: 184 of 1,612,144 alleles (0.011%); highest among the groups gnomAD compares: South Asian, 0.15%; 2 homozygotes.

Submissions (4):

PreventionGenetics, part of Exact Sciences
Classification: Likely benign for RECQL4-related condition. Last evaluated: 2026-08-13. Review status: criteria provided, single submitter. Criteria: ACMG Guidelines, 2015. Collection method: clinical testing. Allele origin: germline.
Comment: This variant is classified as likely benign based on ACMG/AMP sequence variant interpretation guidelines (Richards et al. 2015 PMID: 25741868, with internal and published modifications).

Labcorp Genetics (formerly Invitae), Labcorp
Classification: Likely benign for Baller-Gerold syndrome. Last evaluated: 2026-01-12. Review status: criteria provided, single submitter. Criteria: Invitae Variant Classification Sherloc (09022015). Collection method: clinical testing. Allele origin: germline.

Ambry Genetics
Classification: Likely benign for Inborn genetic diseases. Last evaluated: 2024-11-18. Review status: criteria provided, single submitter. Criteria: Ambry Variant Classification Scheme 2023. Collection method: clinical testing. Allele origin: germline.

Blueprint Genetics
Classification: Likely benign. Last evaluated: 2024-11-08. Review status: criteria provided, single submitter. Criteria: ACMG Guidelines, 2015. Collection method: clinical testing. Allele origin: germline.